The following is an entry in ClinVar:

ClinVar aggregate classification (germline): Uncertain significance (1 of 4 stars; one submission).

Conditions:
Developmental and epileptic encephalopathy, 53. Also called: Epileptic encephalopathy, early infantile, 53. Identifiers: MedGen C4479313, MONDO:0033362, OMIM 617389.
Early-onset Parkinson disease 20. Also called: PARKINSON DISEASE 20, AUTOSOMAL RECESSIVE EARLY-ONSET. Identifiers: Orphanet 391411, MedGen C3809824, MONDO:0014233, OMIM 615530.

Allele frequency attached by ClinVar (database versions not stated): gnomAD exomes below 0.00001; ExAC 0.00001.
gnomAD v4.1: 1 of 1,614,154 alleles (0.000062%); highest among the groups gnomAD compares: South Asian, 0.0011%; no homozygotes.

Submission:

Labcorp Genetics (formerly Invitae), Labcorp
Classification: Uncertain significance for Developmental and epileptic encephalopathy, 53; Early-onset Parkinson disease 20. Last evaluated: 2022-07-26. Review status: criteria provided, single submitter. Criteria: Invitae Variant Classification Sherloc (09022015). Collection method: clinical testing. Allele origin: germline.
Comment: This variant has not been reported in the literature in individuals affected with SYNJ1-related conditions. ClinVar contains an entry for this variant (Variation ID: 1390723). Algorithms developed to predict the effect of missense changes on protein structure and function are either unavailable or do not agree on the potential impact of this missense change (SIFT: "Deleterious"; PolyPhen-2: "Benign"; Align-GVGD: "Class C0"). In summary, the available evidence is currently insufficient to determine the role of this variant in disease. Therefore, it has been classified as a Variant of Uncertain Significance. This variant is present in population databases (rs758233799, gnomAD 0.003%). This sequence change replaces alanine, which is neutral and non-polar, with aspartic acid, which is acidic and polar, at codon 1493 of the SYNJ1 protein (p.Ala1493Asp).

NM_203446.3(SYNJ1):c.*449C>A

Gene: SYNJ1 (synaptojanin 1; minus strand). Cytogenetic location: 21q22.11.
Variant type: single nucleotide variant.
Coding change: c.*449C>A on transcript NM_203446.3 (MANE Select); 449 bases downstream of the stop codon, C replaced by A.
Molecular consequence: 3 prime UTR variant. On other transcripts: missense variant (2).
Genome position (GRCh38, 1-based): chr21:32,631,356, G>T on the plus strand (C>A on the coding strand, the complement: SYNJ1 is on the minus strand). VCF-style: chr21-32631356-G-T. GRCh37 (hg19) VCF-style: chr21-34003666-G-T.
Other names: c.*449C>A (NM_001160302.2); c.4220C>A, p.Ala1407Asp (NM_001160306.2); c.4478C>A, p.Ala1493Asp (NM_003895.4); short protein forms A1407D, A1493D.
Identifiers: ClinVar variation 1390723 (VCV001390723.8), dbSNP rs758233799, ClinGen allele CA10003119.
Genomic context (GRCh38, chr21:32,631,356, plus strand): 5'-TTTAATGTAGACTGGCCCTGTAGATCAAAACTGTCCTTAAAGCCATCAAGTGAAGATGAA[G>T]CCCTGCTTTTGTTATGACCAAGAGGCTGCAGAGAAGGGAAAGGACTGATAGTAACGGGCT-3'